The following is an entry in ClinVar:

NM_004973.4(JARID2):c.3036G>A (p.Pro1012=)

Gene: JARID2 (jumonji and AT-rich interaction domain containing 2; plus strand). Cytogenetic location: 6p22.3.
Variant type: single nucleotide variant.
Coding change: c.3036G>A on transcript NM_004973.4 (MANE Select); coding-DNA position 3036, G replaced by A.
Protein change: p.Pro1012=; no amino-acid change (proline 1012 retained).
Molecular consequence: synonymous variant.
Genome position (GRCh38, 1-based): chr6:15,512,291, G>A. VCF-style: chr6-15512291-G-A. GRCh37 (hg19) VCF-style: chr6-15512522-G-A.
Other names: c.2520G>A, p.Pro840= (NM_001267040.1).
Identifiers: ClinVar variation 4280882 (VCV004280882.7).
Genomic context (GRCh38, chr6:15,512,291, plus strand): 5'-AGAGGGGATCAAGGTGCACAGGACCGTGCAGCAGAGTGGCCAGTTTGTCGTCTGCTTCCC[G>A]GGATCCTTTGTGTCCAAAGTGTGCTGTGGGTACAGCGTGTCTGAAACCGTGCACTTTGCT-3'
Protein context (NP_004964.2, residues 1002-1022): QQSGQFVVCF[Pro1012=]GSFVSKVCCG

ClinVar aggregate classification (germline): Likely benign (1 of 4 stars; one submission).

gnomAD v4.1: 6 of 1,614,082 alleles (0.00037%); highest among the groups gnomAD compares: Admixed American, 0.0017%; no homozygotes.

Submission:

CeGaT Center for Human Genetics Tuebingen
Classification: Likely benign. Last evaluated: 2025-09-01. Review status: criteria provided, single submitter. Criteria: CeGaT Center For Human Genetics Tuebingen Variant Classification Criteria Version 2. Collection method: clinical testing. Allele origin: germline. Affected: yes. Observed: 1 variant allele.
Comment: JARID2: BP4, BP7